The following is an entry in ClinVar:

NM_133259.4(LRPPRC):c.1108A>G (p.Ser370Gly)

Gene: LRPPRC (leucine rich pentatricopeptide repeat containing; minus strand). Cytogenetic location: 2p21.
Variant type: single nucleotide variant.
Coding change: c.1108A>G on transcript NM_133259.4 (MANE Select); coding-DNA position 1108, A replaced by G.
Protein change: p.Ser370Gly; replaces serine 370 with glycine.
Molecular consequence: missense variant.
Genome position (GRCh38, 1-based): chr2:43,974,197, T>C on the plus strand (A>G on the coding strand, the complement: LRPPRC is on the minus strand). VCF-style: chr2-43974197-T-C. GRCh37 (hg19) VCF-style: chr2-44201336-T-C.
Other names: short protein forms S370G.
Identifiers: ClinVar variation 4808793 (VCV004808793.1).
Genomic context (GRCh38, chr2:43,974,197, plus strand): 5'-GTGGACAGAATACCGTATTCATAGTCACACAGTGTTGTAAAAAGAAACTGCCAAAGACAC[T>C]TGGGCCATCTTCCTTTGATACGGGGCATGCTAGTAAAATTTGCAACGCTACATCTTCCAA-3'
Protein context (NP_573566.2, residues 360-380): ACPVSKEDGP[Ser370Gly]VFGSFFLQHC

ClinVar aggregate classification (germline): Uncertain significance (1 of 4 stars; one submission).

gnomAD v4.1: 1 of 1,613,422 alleles (0.000062%); highest among the groups gnomAD compares: Non-Finnish European, 0.000085%; no homozygotes.

Submission:

Labcorp Genetics (formerly Invitae), Labcorp
Classification: Uncertain significance. Last evaluated: 2025-06-30. Review status: criteria provided, single submitter. Criteria: Invitae Variant Classification Sherloc (09022015). Collection method: clinical testing. Allele origin: germline.
Comment: This sequence change replaces serine, which is neutral and polar, with glycine, which is neutral and non-polar, at codon 370 of the LRPPRC protein (p.Ser370Gly). This variant is not present in population databases (gnomAD no frequency). This variant has not been reported in the literature in individuals affected with LRPPRC-related conditions. Invitae Evidence Modeling of protein sequence and biophysical properties (such as structural, functional, and spatial information, amino acid conservation, physicochemical variation, residue mobility, and thermodynamic stability) indicates that this missense variant is not expected to disrupt LRPPRC protein function with a negative predictive value of 80%. Algorithms developed to predict the effect of sequence changes on RNA splicing suggest that this variant may create or strengthen a splice site. In summary, the available evidence is currently insufficient to determine the role of this variant in disease. Therefore, it has been classified as a Variant of Uncertain Significance.